The following is an entry in ClinVar:

ClinVar aggregate classification (germline): Uncertain significance. Review status: criteria provided, multiple submitters, no conflicts (2 of 4 stars). 2 submissions from 2 submitters: Uncertain significance (2). Last evaluated 2025-10-27.

Conditions:
Familial adenomatous polyposis 1 (FAP1). Also called: POLYPOSIS, ADENOMATOUS INTESTINAL; FAMILIAL ADENOMATOUS POLYPOSIS 1, ATTENUATED. Identifiers: MedGen C2713442, MONDO:0021056, OMIM 175100. Disease mechanism: loss of function.
Hereditary cancer-predisposing syndrome. Also called: Hereditary Cancer Syndrome; Tumor predisposition; Neoplastic Syndromes, Hereditary; Hereditary neoplastic syndrome. Identifiers: Orphanet 140162, MedGen C0027672, MeSH D009386, MONDO:0015356.

Submissions (2):

Ambry Genetics
Classification: Uncertain significance for Hereditary cancer-predisposing syndrome. Last evaluated: 2025-10-27. Review status: criteria provided, single submitter. Criteria: Ambry Variant Classification Scheme 2023. Collection method: clinical testing. Allele origin: germline.
Comment: The p.L1029R variant (also known as c.3086T>G), located in coding exon 15 of the APC gene, results from a T to G substitution at nucleotide position 3086. The leucine at codon 1029 is replaced by arginine, an amino acid with dissimilar properties. This amino acid position is conserved. In addition, in silico predictors for this gene do not accurately predict pathogenicity. Based on the available evidence, the clinical significance of this variant remains unclear.

Labcorp Genetics (formerly Invitae), Labcorp
Classification: Uncertain significance for Familial adenomatous polyposis 1. Last evaluated: 2024-04-10. Review status: criteria provided, single submitter. Criteria: Invitae Variant Classification Sherloc (09022015). Collection method: clinical testing. Allele origin: germline.
Comment: This sequence change replaces leucine, which is neutral and non-polar, with arginine, which is basic and polar, at codon 1029 of the APC protein (p.Leu1029Arg). This variant is not present in population databases (gnomAD no frequency). This variant has not been reported in the literature in individuals affected with APC-related conditions. ClinVar contains an entry for this variant (Variation ID: 2122352). Advanced modeling of protein sequence and biophysical properties (such as structural, functional, and spatial information, amino acid conservation, physicochemical variation, residue mobility, and thermodynamic stability) performed at Invitae indicates that this missense variant is not expected to disrupt APC protein function with a negative predictive value of 95%. In summary, the available evidence is currently insufficient to determine the role of this variant in disease. Therefore, it has been classified as a Variant of Uncertain Significance.

NM_000038.6(APC):c.3086T>G (p.Leu1029Arg)

Gene: APC (APC regulator of Wnt signaling pathway; plus strand). Cytogenetic location: 5q22.2.
Variant type: single nucleotide variant.
Coding change: c.3086T>G on transcript NM_000038.6 (MANE Select); coding-DNA position 3086, T replaced by G.
Protein change: p.Leu1029Arg; replaces leucine 1029 with arginine.
Molecular consequence: missense variant.
Genome position (GRCh38, 1-based): chr5:112,838,680, T>G. VCF-style: chr5-112838680-T-G. GRCh37 (hg19) VCF-style: chr5-112174377-T-G.
Other names: c.3086T>G (NM_000038.5); c.3086T>G, p.Leu1029Arg (NM_001127510.3, NM_001354895.2, NM_001407450.1); c.3032T>G, p.Leu1011Arg (NM_001127511.3); c.3140T>G, p.Leu1047Arg (NM_001354896.2, NM_001407447.1, NM_001407448.1 and 1 more transcripts); c.3116T>G, p.Leu1039Arg (NM_001354897.2); c.3011T>G, p.Leu1004Arg (NM_001354898.2); c.3002T>G, p.Leu1001Arg (NM_001354899.2); c.2963T>G, p.Leu988Arg (NM_001354900.2); and 12 more; short protein forms L1001R, L903R, L946R, L645R, L970R, L1004R, L1039R, L1047R.
Identifiers: ClinVar variation 2122352 (VCV002122352.5), dbSNP rs2149884026, ClinGen allele CA16028093.